The following is an entry in ClinVar:

ClinVar aggregate classification (germline): Uncertain significance (1 of 4 stars; one submission).

gnomAD v4.1: 1 of 1,614,154 alleles (0.000062%); highest among the groups gnomAD compares: Non-Finnish European, 0.000085%; no homozygotes.

Submission:

Ambry Genetics
Classification: Uncertain significance. Last evaluated: 2025-07-25. Review status: criteria provided, single submitter. Criteria: Ambry Variant Classification Scheme 2023. Collection method: clinical testing. Allele origin: germline.
Comment: The p.E87D variant (also known as c.261G>C), located in coding exon 2 of the GFI1 gene, results from a G to C substitution at nucleotide position 261. The glutamic acid at codon 87 is replaced by aspartic acid, an amino acid with highly similar properties. This amino acid position is conserved. In addition, this alteration is predicted to be tolerated by in silico analysis. Based on the available evidence, the clinical significance of this variant remains unclear.

NM_005263.5(GFI1):c.261G>C (p.Glu87Asp)

Gene: GFI1 (growth factor independent 1 transcriptional repressor; minus strand). Cytogenetic location: 1p22.1.
Variant type: single nucleotide variant.
Coding change: c.261G>C on transcript NM_005263.5 (MANE Select); coding-DNA position 261, G replaced by C.
Protein change: p.Glu87Asp; replaces glutamic acid 87 with aspartic acid.
Molecular consequence: missense variant.
Genome position (GRCh38, 1-based): chr1:92,482,901, C>G on the plus strand (G>C on the coding strand, the complement: GFI1 is on the minus strand). VCF-style: chr1-92482901-C-G. GRCh37 (hg19) VCF-style: chr1-92948458-C-G.
Other names: c.261G>C, p.Glu87Asp (NM_001127215.3, NM_001127216.3); short protein forms E87D.
Identifiers: ClinVar variation 4263215 (VCV004263215.1).